The following is an entry in ClinVar:

ClinVar aggregate classification (germline): Pathogenic (1 of 4 stars; one submission).

Conditions:
Hereditary spastic paraplegia 4. Also called: Familial spastic paraplegia autosomal dominant 2; Spastic paraplegia 4, autosomal dominant; Spastic Paraplegia 4. Identifiers: Orphanet 100985, MedGen C1866855, MONDO:0008438, OMIM 182601.

Submission:

Labcorp Genetics (formerly Invitae), Labcorp
Classification: Pathogenic for Hereditary spastic paraplegia 4. Last evaluated: 2024-03-21. Review status: criteria provided, single submitter. Criteria: Invitae Variant Classification Sherloc (09022015). Collection method: clinical testing. Allele origin: germline.
Comment: This sequence change creates a premature translational stop signal (p.Ser261*) in the SPAST gene. It is expected to result in an absent or disrupted protein product. Loss-of-function variants in SPAST are known to be pathogenic (PMID: 20932283). This variant is not present in population databases (gnomAD no frequency). This premature translational stop signal has been observed in individuals with hereditary spastic paraplegia (PMID: 20932283, 34353391). Algorithms developed to predict the effect of sequence changes on RNA splicing suggest that this variant may disrupt the consensus splice site. For these reasons, this variant has been classified as Pathogenic.

Literature cited by the submitters: PubMed 20932283; PubMed 34353391.

NM_014946.4(SPAST):c.782C>G (p.Ser261Ter)

Gene: SPAST (spastin; plus strand). Cytogenetic location: 2p22.3.
Variant type: single nucleotide variant.
Coding change: c.782C>G on transcript NM_014946.4 (MANE Select); coding-DNA position 782, C replaced by G.
Protein change: p.Ser261Ter; replaces serine 261 with a stop codon.
Molecular consequence: nonsense.
Genome position (GRCh38, 1-based): chr2:32,114,737, C>G. VCF-style: chr2-32114737-C-G. GRCh37 (hg19) VCF-style: chr2-32339806-C-G.
Other names: c.779C>G, p.Ser260Ter (NM_001363823.2); c.683C>G, p.Ser228Ter (NM_001363875.2); c.686C>G, p.Ser229Ter (NM_001377959.1, NM_199436.2); short protein forms S229*, S228*, S261*, S260*.
Identifiers: ClinVar variation 2734148 (VCV002734148.3), dbSNP rs768241184, ClinGen allele CA346498586.